The following is an entry in ClinVar:

ClinVar aggregate classification (germline): Likely pathogenic (1 of 4 stars; one submission).

Conditions:
Severe X-linked myotubular myopathy (CNMX). Also called: MYOTUBULAR MYOPATHY 1; X-linked centronuclear myopathy; Myotubular myopathy, X-linked. Identifiers: Orphanet 596, MedGen C0410203, MONDO:0010683, OMIM 310400.

Submission:

Myriad Genetics, Inc.
Classification: Likely pathogenic for Severe X-linked myotubular myopathy. Last evaluated: 2019-05-03. Review status: criteria provided, single submitter. Criteria: Myriad Women's Health Autosomal Recessive and X-Linked Classification Criteria (2019). Collection method: clinical testing. Allele origin: unknown.
Comment: NM_000252.2(MTM1):c.838A>T(R280*) is expected to be pathogenic in the context of X-linked myotubular myopathy. This variant is predicted to lead to an abnormal or absent protein product due to the creation of a premature termination codon in MTM1, a gene where loss-of-function variants are known to be pathogenic. Please note: this variant was assessed in the context of healthy population screening.

NM_000252.3(MTM1):c.838A>T (p.Arg280Ter)

Gene: MTM1 (myotubularin 1; plus strand). Cytogenetic location: Xq28.
Variant type: single nucleotide variant.
Coding change: c.838A>T on transcript NM_000252.3 (MANE Select); coding-DNA position 838, A replaced by T.
Protein change: p.Arg280Ter; replaces arginine 280 with a stop codon.
Molecular consequence: nonsense.
Genome position (GRCh38, 1-based): chrX:150,645,842, A>T. VCF-style: chrX-150645842-A-T. GRCh37 (hg19) VCF-style: chrX-149814315-A-T.
Other names: c.838A>T, p.Arg280Ter (NM_001376906.1, NM_001376908.1); c.727A>T, p.Arg243Ter (NM_001376907.1); short protein forms R243*, R280*.
Identifiers: ClinVar variation 984254 (VCV000984254.3), dbSNP rs2039922261, ClinGen allele CA415256637.